The following is an entry in ClinVar:

ClinVar aggregate classification (germline): Uncertain significance (1 of 4 stars; one submission).

Conditions:
Hereditary cancer-predisposing syndrome. Also called: Hereditary neoplastic syndrome; Neoplastic Syndromes, Hereditary; Tumor predisposition; Hereditary Cancer Syndrome. Identifiers: Orphanet 140162, MedGen C0027672, MeSH D009386, MONDO:0015356.

Submission:

Ambry Genetics
Classification: Uncertain significance for Hereditary cancer-predisposing syndrome. Last evaluated: 2025-07-24. Review status: criteria provided, single submitter. Criteria: Ambry Variant Classification Scheme 2023. Collection method: clinical testing. Allele origin: germline.
Comment: The c.3023_3025delAGGinsTAC variant (also known as p.K1008_V1009delinsIL), located in coding exon 25 of the POLE gene, results from an in-frame deletion of AGG and insertion of TAC at nucleotide positions 3023 to 3025. This results in the substitution of lysine and valine residues for an isoleucine and leucine residue at codons 1008 and 1009. This amino acid region is highly conserved in available vertebrate species. In addition, this variant is predicted to be deleterious by in silico analysis (Choi Y et al. PLoS ONE. 2012; 7(10):e46688). Based on the available evidence, the clinical significance of this variant remains unclear.

NM_006231.4(POLE):c.3023_3025delinsTAC (p.Lys1008_Val1009delinsIleLeu)

Gene: POLE (DNA polymerase epsilon, catalytic subunit; minus strand). Cytogenetic location: 12q24.33.
Variant type: Indel.
Coding change: c.3023_3025delinsTAC on transcript NM_006231.4 (MANE Select); coding-DNA positions 3023 to 3025, AGG replaced by TAC.
Protein change: p.Lys1008_Val1009delinsIleLeu.
Molecular consequence: missense variant.
Genome position (GRCh38, 1-based): chr12:132,661,004-132,661,006, CCT replaced by GTA on the plus strand (AGG replaced by TAC on the coding strand, the reverse complement: POLE is on the minus strand). VCF-style: chr12-132661004-CCT-GTA. GRCh37 (hg19) VCF-style: chr12-133237590-CCT-GTA.
Identifiers: ClinVar variation 4141148 (VCV004141148.1).